The following is an entry in ClinVar:

NM_015425.6(POLR1A):c.3568G>A (p.Asp1190Asn)

Gene: POLR1A (RNA polymerase I subunit A; minus strand). Cytogenetic location: 2p11.2.
Variant type: single nucleotide variant.
Coding change: c.3568G>A on transcript NM_015425.6 (MANE Select); coding-DNA position 3568, G replaced by A.
Protein change: p.Asp1190Asn; replaces aspartic acid 1190 with asparagine.
Molecular consequence: missense variant.
Genome position (GRCh38, 1-based): chr2:86,041,893, C>T on the plus strand (G>A on the coding strand, the complement: POLR1A is on the minus strand). VCF-style: chr2-86041893-C-T. GRCh37 (hg19) VCF-style: chr2-86269016-C-T.
Other names: short protein forms D1190N.
Identifiers: ClinVar variation 2489911 (VCV002489911.5), dbSNP rs536089000, ClinGen allele CA1745746.

ClinVar aggregate classification (germline): Uncertain significance. Review status: criteria provided, multiple submitters, no conflicts (2 of 4 stars). 2 submissions from 2 submitters: Uncertain significance (2). Last evaluated 2023-06-12.

Conditions:
Inborn genetic diseases. Identifiers: MedGen C0950123, MeSH D030342.

Allele frequency attached by ClinVar (database versions not stated): ExAC 0.00002; gnomAD 0.00003; TOPMed 0.00005; 1000 Genomes Project 30x 0.00016; 1000 Genomes Project 0.00020.
gnomAD v4.1: 29 of 1,612,456 alleles (0.0018%); highest among the groups gnomAD compares: East Asian, 0.027%; no homozygotes.

Submissions (2):

Labcorp Genetics (formerly Invitae), Labcorp
Classification: Uncertain significance. Last evaluated: 2023-06-12. Review status: criteria provided, single submitter. Criteria: Invitae Variant Classification Sherloc (09022015). Collection method: clinical testing. Allele origin: germline.
Comment: This variant has not been reported in the literature in individuals affected with POLR1A-related conditions. ClinVar contains an entry for this variant (Variation ID: 2489911). Advanced modeling of protein sequence and biophysical properties (such as structural, functional, and spatial information, amino acid conservation, physicochemical variation, residue mobility, and thermodynamic stability) performed at Invitae indicates that this missense variant is not expected to disrupt POLR1A protein function. In summary, the available evidence is currently insufficient to determine the role of this variant in disease. Therefore, it has been classified as a Variant of Uncertain Significance. This variant is present in population databases (rs536089000, gnomAD 0.02%). This sequence change replaces aspartic acid, which is acidic and polar, with asparagine, which is neutral and polar, at codon 1190 of the POLR1A protein (p.Asp1190Asn).

Ambry Genetics
Classification: Uncertain significance for Inborn genetic diseases. Last evaluated: 2023-02-27. Review status: criteria provided, single submitter. Criteria: Ambry Variant Classification Scheme 2023. Collection method: clinical testing. Allele origin: germline.